The following is an entry in ClinVar:

ClinVar aggregate classification (germline): Likely benign (1 of 4 stars; one submission).

Conditions:
Progressive sclerosing poliodystrophy (MTDPS4A). Also called: Alpers-Huttenlocher Syndrome (AHS); Alpers Syndrome; ALPERS PROGRESSIVE INFANTILE POLIODYSTROPHY; Mitochondrial DNA depletion syndrome 4A (Alpers type); ALPERS DIFFUSE DEGENERATION OF CEREBRAL GRAY MATTER WITH HEPATIC CIRRHOSIS; Alpers-Huttenlocher Syndrome. Identifiers: Orphanet 726, MedGen C0205710, MONDO:0008758, OMIM 203700.

Allele frequency attached by ClinVar (database versions not stated): gnomAD exomes below 0.00001.
gnomAD v4.1: 1 of 1,614,214 alleles (0.000062%); highest among the groups gnomAD compares: Non-Finnish European, 0.000085%; no homozygotes.

Submission:

Wong Mito Lab, Molecular and Human Genetics, Baylor College of Medicine
Classification: Likely benign for Progressive sclerosing poliodystrophy. Last evaluated: 2018-10-01. Review status: criteria provided, single submitter. Criteria: ACMG Guidelines, 2015. Collection method: clinical testing. Allele origin: germline.
Comment: The NM_002693.2:c.3390C>T (NP_002684.1:p.Cys1130=) [GRCH38: NC_000015.10:g.89318633G>A] variant in POLG gene is interpretated to be a Likely Benign based on ACMG guidelines (PMID: 25741868). This variant meets the following evidence codes reported in the ACMG-guideline. BP4:Computational evidence/predictors indicate no impact on the POLG structure, function, or protein-protein interaction. BP7:The variant is silent with non predicted splice impact. Based on the evidence criteria codes applied, the variant is suggested to be Likely Benign.

NM_002693.3(POLG):c.3390C>T (p.Cys1130=)

Gene: POLG (DNA polymerase gamma, catalytic subunit; minus strand). Cytogenetic location: 15q26.1.
Variant type: single nucleotide variant.
Coding change: c.3390C>T on transcript NM_002693.3 (MANE Select); coding-DNA position 3390, C replaced by T.
Protein change: p.Cys1130=; no amino-acid change (cysteine 1130 retained).
Molecular consequence: synonymous variant.
Genome position (GRCh38, 1-based): chr15:89,318,633, G>A on the plus strand (C>T on the coding strand, the complement: POLG is on the minus strand). VCF-style: chr15-89318633-G-A. GRCh37 (hg19) VCF-style: chr15-89861864-G-A.
Other names: c.3390C>T, p.Cys1130= (NM_001126131.2).
Identifiers: ClinVar variation 619437 (VCV000619437.1), dbSNP rs1567185105, ClinGen allele CA10602272.
Genomic context (GRCh38, chr15:89,318,633, plus strand): 5'-GGCAGCGCGGTAGCGGTCCTCCTCCCGCACCAGGTAGCGAACCTCGTCATGGATGCTGAT[G>A]CAGAAGCGCCCATCTATGGCAAACTCTTCAAACAGCCACTTCATGGCCACAAGCATGAGG-3'
Protein context (NP_002684.1, residues 1120-1140): FEEFAIDGRF[Cys1130=]ISIHDEVRYL